The following is an entry in ClinVar:

NM_014363.6(SACS):c.3144A>G (p.Val1048=)

Gene: SACS (sacsin molecular chaperone; minus strand). Cytogenetic location: 13q12.12.
Variant type: single nucleotide variant.
Coding change: c.3144A>G on transcript NM_014363.6 (MANE Select); coding-DNA position 3144, A replaced by G.
Protein change: p.Val1048=; no amino-acid change (valine 1048 retained).
Molecular consequence: synonymous variant.
Genome position (GRCh38, 1-based): chr13:23,340,732, T>C on the plus strand (A>G on the coding strand, the complement: SACS is on the minus strand). VCF-style: chr13-23340732-T-C. GRCh37 (hg19) VCF-style: chr13-23914871-T-C.
Other names: c.2703A>G, p.Val901= (NM_001278055.2).
Identifiers: ClinVar variation 311551 (VCV000311551.23), dbSNP rs3751369, ClinGen allele CA6911561.

ClinVar aggregate classification (germline): Conflicting classifications of pathogenicity. Review status: criteria provided, conflicting classifications (1 of 4 stars). 8 submissions from 8 submitters: Uncertain significance (1); Benign (2); Likely benign (3). 2 of the submissions do not count toward it. Last evaluated 2026-01-26.

Conditions:
SACS-related disorder. Also called: SACS-related condition.
Spastic paraplegia. Identifiers: MedGen C0037772, HP:0001258.
Charlevoix-Saguenay spastic ataxia (SACS). Also called: SPASTIC ATAXIA 6, AUTOSOMAL RECESSIVE; AUTOSOMAL RECESSIVE SPASTIC ATAXIA OF CHARLEVOIX-SAGUENAY; Spastic ataxia of Charlevoix-Saguenay. Identifiers: Orphanet 98, MedGen C1849140, MONDO:0010041, OMIM 270550.
Hereditary spastic paraplegia. Also called: Familial spastic paraparesis. Identifiers: Orphanet 685, MedGen C0037773, MONDO:0019064. Disease mechanism: loss of function.

Allele frequency attached by ClinVar (database versions not stated): ESP Exome Variant Server 0.00008; gnomAD exomes 0.00026 and 0.00107; gnomAD 0.00035 and 0.00046; TOPMed 0.00071; ExAC 0.00098; 1000 Genomes Project 30x 0.00203; 1000 Genomes Project 0.00220.

Submissions (8):

Labcorp Genetics (formerly Invitae), Labcorp
Classification: Benign for Spastic paraplegia. Last evaluated: 2026-01-26. Review status: criteria provided, single submitter. Criteria: Invitae Variant Classification Sherloc (09022015). Collection method: clinical testing. Allele origin: germline.

Blueprint Genetics
Classification: Likely benign. Last evaluated: 2024-10-15. Review status: criteria provided, single submitter. Criteria: ACMG Guidelines, 2015. Collection method: clinical testing. Allele origin: germline.

Genome-Nilou Lab
Classification: Likely benign for Charlevoix-Saguenay spastic ataxia. Last evaluated: 2021-09-05. Review status: criteria provided, single submitter. Criteria: ACMG Guidelines, 2015. Collection method: clinical testing. Allele origin: germline. Affected: no.

Athena Diagnostics
Classification: Benign. Last evaluated: 2018-05-14. Review status: criteria provided, single submitter. Criteria: Athena Diagnostics Criteria. Collection method: clinical testing. Allele origin: germline.

Illumina Laboratory Services, Illumina
Classification: Uncertain significance for Charlevoix-Saguenay spastic ataxia. Last evaluated: 2018-01-13. Review status: criteria provided, single submitter. Criteria: ICSL Variant Classification Criteria 13 December 2019. Collection method: clinical testing. Allele origin: germline.

Genome Diagnostics Laboratory, The Hospital for Sick Children
Classification: Likely benign for Hereditary spastic paraplegia. Last evaluated: 2016-12-12. Review status: criteria provided, single submitter. Criteria: ACMG Guidelines, 2015. Collection method: clinical testing. Allele origin: germline. Affected: yes.

PreventionGenetics, part of Exact Sciences
Classification: Benign for SACS-related condition. Last evaluated: 2024-09-03. Review status: no assertion criteria provided. Collection method: clinical testing. Allele origin: germline. Not counted in ClinVar's aggregate classification.
Comment: This variant is classified as benign based on ACMG/AMP sequence variant interpretation guidelines (Richards et al. 2015 PMID: 25741868, with internal and published modifications).

Natera, Inc.
Classification: Benign for Charlevoix-Saguenay type spastic ataxia. Last evaluated: 2020-05-02. Review status: no assertion criteria provided. Collection method: clinical testing. Allele origin: germline. Not counted in ClinVar's aggregate classification.